The following is an entry in ClinVar:

NM_001378452.1(ITPR1):c.3377A>G (p.Lys1126Arg)

Gene: ITPR1 (inositol 1,4,5-trisphosphate receptor type 1; plus strand). Cytogenetic location: 3p26.1.
Variant type: single nucleotide variant.
Coding change: c.3377A>G on transcript NM_001378452.1 (MANE Select); coding-DNA position 3377, A replaced by G.
Protein change: p.Lys1126Arg; replaces lysine 1126 with arginine.
Molecular consequence: missense variant.
Genome position (GRCh38, 1-based): chr3:4,683,677, A>G. VCF-style: chr3-4683677-A-G. GRCh37 (hg19) VCF-style: chr3-4725361-A-G.
Other names: c.3350A>G, p.Lys1117Arg (NM_001099952.4); c.3332A>G, p.Lys1111Arg (NM_001168272.2); c.3305A>G, p.Lys1102Arg (NM_002222.7); short protein forms K1102R, K1111R, K1117R, K1126R.
Identifiers: ClinVar variation 2617892 (VCV002617892.5), dbSNP rs765419304, ClinGen allele CA2231658.

ClinVar aggregate classification (germline): Uncertain significance. Review status: criteria provided, multiple submitters, no conflicts (2 of 4 stars). 2 submissions from 2 submitters: Uncertain significance (2). Last evaluated 2023-10-04.

Conditions:
Inborn genetic diseases. Identifiers: MedGen C0950123, MeSH D030342.

Allele frequency attached by ClinVar (database versions not stated): gnomAD exomes below 0.00001; TOPMed below 0.00001; gnomAD 0.00001; ExAC 0.00002.
gnomAD v4.1: 6 of 1,613,964 alleles (0.00037%); highest among the groups gnomAD compares: East Asian, 0.0022%; no homozygotes.

Submissions (2):

Labcorp Genetics (formerly Invitae), Labcorp
Classification: Uncertain significance. Last evaluated: 2023-10-04. Review status: criteria provided, single submitter. Criteria: Invitae Variant Classification Sherloc (09022015). Collection method: clinical testing. Allele origin: germline.
Comment: This sequence change replaces lysine, which is basic and polar, with arginine, which is basic and polar, at codon 1102 of the ITPR1 protein (p.Lys1102Arg). This variant is present in population databases (rs765419304, gnomAD 0.006%). This variant has not been reported in the literature in individuals affected with ITPR1-related conditions. Advanced modeling of protein sequence and biophysical properties (such as structural, functional, and spatial information, amino acid conservation, physicochemical variation, residue mobility, and thermodynamic stability) performed at Invitae indicates that this missense variant is not expected to disrupt ITPR1 protein function. In summary, the available evidence is currently insufficient to determine the role of this variant in disease. Therefore, it has been classified as a Variant of Uncertain Significance.

Ambry Genetics
Classification: Uncertain significance for Inborn genetic diseases. Last evaluated: 2023-08-10. Review status: criteria provided, single submitter. Criteria: Ambry Variant Classification Scheme 2023. Collection method: clinical testing. Allele origin: germline.